The following is an entry in ClinVar:

ClinVar aggregate classification (germline): Uncertain significance. Review status: criteria provided, multiple submitters, no conflicts (2 of 4 stars). 2 submissions from 2 submitters: Uncertain significance (2). Last evaluated 2026-01-30.

Conditions:
Inborn genetic diseases. Identifiers: MedGen C0950123, MeSH D030342.

Allele frequency attached by ClinVar (database versions not stated): gnomAD 0.00001; TOPMed below 0.00001.
gnomAD v4.1: 1 of 1,613,966 alleles (0.000062%); highest among the groups gnomAD compares: Non-Finnish European, 0.000085%; no homozygotes.

Submissions (2):

Dasa
Classification: Uncertain significance. Last evaluated: 2026-01-30. Review status: criteria provided, single submitter. Criteria: DASA Assertion Criteria. Collection method: clinical testing. Allele origin: germline.
Comment: NM_014921.5(ADGRL1):c.758C>T (p.Ser253Leu) is a missense variant that results in the substitution of serine with leucine. This variant is rare in population databases. Computational prediction algorithms are consistent with a deleterious effect. The currently available literature and clinical evidence are not sufficient to establish a definitive association between this variant and the reported condition. Therefore, this variant is classified as a variant of uncertain significance.

Ambry Genetics
Classification: Uncertain significance for Inborn genetic diseases. Last evaluated: 2023-03-07. Review status: criteria provided, single submitter. Criteria: Ambry Variant Classification Scheme 2023. Collection method: clinical testing. Allele origin: germline.
Comment: The c.773C>T (p.S258L) alteration is located in exon 6 (coding exon 5) of the ADGRL1 gene. This alteration results from a C to T substitution at nucleotide position 773, causing the serine (S) at amino acid position 258 to be replaced by a leucine (L). This variant was not reported in population-based cohorts in the Genome Aggregation Database (gnomAD). This amino acid position is highly conserved in available vertebrate species. This alteration is predicted to be deleterious by in silico analysis. Based on insufficient or conflicting evidence, the clinical significance of this alteration remains unclear.

NM_014921.5(ADGRL1):c.758C>T (p.Ser253Leu)

Genes: ADGRL1 (adhesion G protein-coupled receptor L1; minus strand), ADGRL1-AS1 (ADGRL1 antisense RNA 1; plus strand). Cytogenetic location: 19p13.12.
Variant type: single nucleotide variant.
Coding change: c.758C>T on transcript NM_014921.5 (MANE Select); coding-DNA position 758, C replaced by T.
Protein change: p.Ser253Leu; replaces serine 253 with leucine.
Molecular consequence: missense variant.
Genome position (GRCh38, 1-based): chr19:14,163,043, G>A on the plus strand (C>T on the coding strand, the complement: ADGRL1 is on the minus strand). VCF-style: chr19-14163043-G-A. GRCh37 (hg19) VCF-style: chr19-14273855-G-A.
Other names: c.773C>T, p.Ser258Leu (NM_001008701.3); short protein forms S253L, S258L.
Identifiers: ClinVar variation 2495161 (VCV002495161.5), dbSNP rs1477345091, ClinGen allele CA404413192.
Genomic context (GRCh38, chr19:14,163,043, plus strand): 5'-CACAGCCCGTTCTCGTCCACCGCCAGGTCAATGTCGGTCTTTCCGCCCCAGCGGTAGGGC[G>A]AGGTGTCATGGTAGTTGGCGGTATTGATGACCGTCTCCCCGCTCTTGATGCGCGTCCGTA-3'
Protein context (NP_055736.2, residues 243-263): VINTANYHDT[Ser253Leu]PYRWGGKTDI